The following is an entry in ClinVar:

NM_001083962.2(TCF4):c.*832G>T

Gene: TCF4 (transcription factor 4; minus strand). Cytogenetic location: 18q21.2.
Variant type: single nucleotide variant.
Coding change: c.*832G>T on transcript NM_001083962.2 (MANE Select); 832 bases downstream of the stop codon, G replaced by T.
Molecular consequence: 3 prime UTR variant.
Genome position (GRCh38, 1-based): chr18:55,227,203, C>A on the plus strand (G>T on the coding strand, the complement: TCF4 is on the minus strand). VCF-style: chr18-55227203-C-A. GRCh37 (hg19) VCF-style: chr18-52894434-C-A.
Other names: c.*832G>T (NM_001243226.3, NM_001243227.2, NM_001243228.2 and 42 more transcripts).
Identifiers: ClinVar variation 327291 (VCV000327291.5), dbSNP rs181670668, ClinGen allele CA10651076.

ClinVar aggregate classification (germline): Benign (1 of 4 stars; one submission).

Conditions:
Pitt-Hopkins syndrome (PTHS). Also called: ENCEPHALOPATHY, SEVERE EPILEPTIC, WITH AUTONOMIC DYSFUNCTION; MENTAL RETARDATION, SYNDROMAL, WITH INTERMITTENT HYPERVENTILATION. Identifiers: Orphanet 2896, MedGen C1970431, MONDO:0012589, OMIM 610954.

Allele frequency attached by ClinVar (database versions not stated): 1000 Genomes Project 0.00060; 1000 Genomes Project 30x 0.00062; TOPMed 0.00083; gnomAD 0.00088 and 0.00099.

Submission:

Illumina Laboratory Services, Illumina
Classification: Benign for Pitt-Hopkins syndrome. Last evaluated: 2018-01-12. Review status: criteria provided, single submitter. Criteria: ICSL Variant Classification Criteria 13 December 2019. Collection method: clinical testing. Allele origin: germline.
Comment: This variant was observed in the ICSL laboratory as part of a predisposition screen in an ostensibly healthy population. It had not been previously curated by ICSL or reported in the Human Gene Mutation Database (HGMD: prior to June 1st, 2018), and was therefore a candidate for classification through an automated scoring system. Utilizing variant allele frequency, disease prevalence and penetrance estimates, and inheritance mode, an automated score was calculated to assess if this variant is too frequent to cause the disease. Based on the score and internal cut-off values, a variant classified as benign is not then subjected to further curation. The score for this variant resulted in a classification of benign for this disease.